The following is an entry in ClinVar:

NM_053025.4(MYLK):c.713G>A (p.Gly238Glu)

Gene: MYLK (myosin light chain kinase; minus strand). Cytogenetic location: 3q21.1.
Variant type: single nucleotide variant.
Coding change: c.713G>A on transcript NM_053025.4 (MANE Select); coding-DNA position 713, G replaced by A.
Protein change: p.Gly238Glu; replaces glycine 238 with glutamic acid.
Molecular consequence: missense variant.
Genome position (GRCh38, 1-based): chr3:123,737,419, C>T on the plus strand (G>A on the coding strand, the complement: MYLK is on the minus strand). VCF-style: chr3-123737419-C-T. GRCh37 (hg19) VCF-style: chr3-123456266-C-T.
Other names: c.185G>A, p.Gly62Glu (NM_001321309.2); c.713G>A, p.Gly238Glu (NM_053026.4, NM_053027.4, NM_053028.4); short protein forms G62E, G238E.
Identifiers: ClinVar variation 2751087 (VCV002751087.3), dbSNP rs2474605745, ClinGen allele CA075443.

ClinVar aggregate classification (germline): Uncertain significance (1 of 4 stars; one submission).

Conditions:
Aortic aneurysm, familial thoracic 7 (AAT7). Also called: AORTIC DISSECTION, FAMILIAL, WITH OR WITHOUT AORTIC ANEURYSM. Identifiers: MedGen C3151077, MONDO:0013418, OMIM 613780.

Submission:

Labcorp Genetics (formerly Invitae), Labcorp
Classification: Uncertain significance for Aortic aneurysm, familial thoracic 7. Last evaluated: 2023-12-27. Review status: criteria provided, single submitter. Criteria: Invitae Variant Classification Sherloc (09022015). Collection method: clinical testing. Allele origin: germline.
Comment: This sequence change replaces glycine, which is neutral and non-polar, with glutamic acid, which is acidic and polar, at codon 238 of the MYLK protein (p.Gly238Glu). This variant is not present in population databases (gnomAD no frequency). This variant has not been reported in the literature in individuals affected with MYLK-related conditions. Advanced modeling of protein sequence and biophysical properties (such as structural, functional, and spatial information, amino acid conservation, physicochemical variation, residue mobility, and thermodynamic stability) performed at Invitae indicates that this missense variant is not expected to disrupt MYLK protein function with a negative predictive value of 95%. In summary, the available evidence is currently insufficient to determine the role of this variant in disease. Therefore, it has been classified as a Variant of Uncertain Significance.